The following is an entry in ClinVar:

ClinVar aggregate classification (germline): Uncertain significance. Review status: criteria provided, multiple submitters, no conflicts (2 of 4 stars). 2 submissions from 2 submitters: Uncertain significance (2). Last evaluated 2025-09-17.

Allele frequency attached by ClinVar (database versions not stated): gnomAD exomes below 0.00001; ExAC 0.00001; gnomAD 0.00002; TOPMed 0.00002; ESP Exome Variant Server 0.00008; 1000 Genomes Project 0.00020; 1000 Genomes Project 30x 0.00031.
gnomAD v4.1: 11 of 1,614,136 alleles (0.00068%); highest among the groups gnomAD compares: African/African-American, 0.0067%; no homozygotes.

Submissions (2):

Labcorp Genetics (formerly Invitae), Labcorp
Classification: Uncertain significance. Last evaluated: 2025-09-17. Review status: criteria provided, single submitter. Criteria: Invitae Variant Classification Sherloc (09022015). Collection method: clinical testing. Allele origin: germline.
Comment: This sequence change replaces tyrosine, which is neutral and polar, with cysteine, which is neutral and slightly polar, at codon 178 of the ANKZF1 protein (p.Tyr178Cys). This variant is present in population databases (rs373676341, gnomAD 0.0009%). This variant has not been reported in the literature in individuals affected with ANKZF1-related conditions. ClinVar contains an entry for this variant (Variation ID: 2189375). An algorithm developed to predict the effect of missense changes on protein structure and function (PolyPhen-2) suggests that this variant is likely to be disruptive. In summary, the available evidence is currently insufficient to determine the role of this variant in disease. Therefore, it has been classified as a Variant of Uncertain Significance.

Ambry Genetics
Classification: Uncertain significance. Last evaluated: 2024-11-28. Review status: criteria provided, single submitter. Criteria: Ambry Variant Classification Scheme 2023. Collection method: clinical testing. Allele origin: germline.

NM_018089.3(ANKZF1):c.533A>G (p.Tyr178Cys)

Gene: ANKZF1 (ankyrin repeat and zinc finger peptidyl tRNA hydrolase 1; plus strand). Cytogenetic location: 2q35.
Variant type: single nucleotide variant.
Coding change: c.533A>G on transcript NM_018089.3 (MANE Select); coding-DNA position 533, A replaced by G.
Protein change: p.Tyr178Cys; replaces tyrosine 178 with cysteine.
Molecular consequence: missense variant. On other transcripts: 5 prime UTR variant (1).
Genome position (GRCh38, 1-based): chr2:219,232,658, A>G. VCF-style: chr2-219232658-A-G. GRCh37 (hg19) VCF-style: chr2-220097380-A-G.
Other names: c.533A>G, p.Tyr178Cys (NM_001042410.2); c.-98A>G (NM_001282792.2); c.533A>G (NM_018089.2); short protein forms Y178C.
Identifiers: ClinVar variation 2189375 (VCV002189375.5), dbSNP rs373676341, ClinGen allele CA2120768.
Genomic context (GRCh38, chr2:219,232,658, plus strand): 5'-CAGGCTTTTACCCTCATCGAGTTCTTTTCCAGAATGCCCAGGGCCAGTTTCTTTATGCCT[A>G]CCGCTGTGTCCTAGGCCCTCATCAGGCAAGTGACAGTACAGGTTGCATGGCTAACCCCAG-3'
Protein context (NP_060559.2, residues 168-188): QNAQGQFLYA[Tyr178Cys]RCVLGPHQDP